The following is an entry in ClinVar:

NM_000257.4(MYH7):c.2393G>A (p.Arg798Lys)

Genes: MYH7 (myosin heavy chain 7; minus strand), LOC126861898 (BRD4-independent group 4 enhancer GRCh37_chr14:23893609-23894808; plus strand). Cytogenetic location: 14q11.2.
Variant type: single nucleotide variant.
Coding change: c.2393G>A on transcript NM_000257.4 (MANE Select); coding-DNA position 2393, G replaced by A.
Protein change: p.Arg798Lys; replaces arginine 798 with lysine.
Molecular consequence: missense variant.
Genome position (GRCh38, 1-based): chr14:23,425,312, C>T on the plus strand (G>A on the coding strand, the complement: MYH7 is on the minus strand). VCF-style: chr14-23425312-C-T. GRCh37 (hg19) VCF-style: chr14-23894521-C-T.
Other names: c.2393G>A (LRG_384t1); short protein forms R798K.
Identifiers: ClinVar variation 450863 (VCV000450863.14), dbSNP rs1555337796, ClinGen allele CA389048516.
Genomic context (GRCh38, chr14:23,425,312, plus strand): 5'-AGCGGGAAACCTCCTCTTGAGATCTCTCACCTACGTTCCAGCAGCTTTTTGTACTCCATT[C>T]TGGCGAGCACACCTCGGGACTGGGCCTGGATACGCGTGATGATGCGGCTCAGCCTCTCGT-3'
Protein context (NP_000248.2, residues 788-808): IQAQSRGVLA[Arg798Lys]MEYKKLLERR

ClinVar aggregate classification (germline): Uncertain significance. Review status: criteria provided, multiple submitters, no conflicts (2 of 4 stars). 3 submissions from 3 submitters: Uncertain significance (3). Last evaluated 2025-12-20.

Conditions:
Hypertrophic cardiomyopathy. Also called: HYPERTROPHIC MYOCARDIOPATHY. Identifiers: Orphanet 217569, MedGen C0007194, MeSH D002312, MONDO:0005045, HP:0001639.
Cardiovascular phenotype. Identifiers: MedGen CN230736.

Submissions (3):

GeneDx
Classification: Uncertain significance. Last evaluated: 2025-12-20. Review status: criteria provided, single submitter. Criteria: GeneDx Variant Classification Process June 2021. Collection method: clinical testing. Allele origin: germline. Affected: yes.
Comment: Has not been previously published as pathogenic or benign to our knowledge; Not observed at significant frequency in large population cohorts (gnomAD); In silico analysis suggests that this missense variant does not alter protein structure/function; This variant is associated with the following publications: (PMID: 27532257, 29300372)

Labcorp Genetics (formerly Invitae), Labcorp
Classification: Uncertain significance for Hypertrophic cardiomyopathy. Last evaluated: 2025-04-30. Review status: criteria provided, single submitter. Criteria: Invitae Variant Classification Sherloc (09022015). Collection method: clinical testing. Allele origin: germline.
Comment: This sequence change replaces arginine, which is basic and polar, with lysine, which is basic and polar, at codon 798 of the MYH7 protein (p.Arg798Lys). This variant is not present in population databases (gnomAD no frequency). This variant has not been reported in the literature in individuals affected with MYH7-related conditions. ClinVar contains an entry for this variant (Variation ID: 450863). Invitae Evidence Modeling of protein sequence and biophysical properties (such as structural, functional, and spatial information, amino acid conservation, physicochemical variation, residue mobility, and thermodynamic stability) indicates that this missense variant is expected to disrupt MYH7 protein function with a positive predictive value of 95%. In summary, the available evidence is currently insufficient to determine the role of this variant in disease. Therefore, it has been classified as a Variant of Uncertain Significance.

Ambry Genetics
Classification: Uncertain significance for Cardiovascular phenotype. Last evaluated: 2023-09-22. Review status: criteria provided, single submitter. Criteria: Ambry Variant Classification Scheme 2023. Collection method: clinical testing. Allele origin: germline.
Comment: The p.R798K variant (also known as c.2393G>A), located in coding exon 19 of the MYH7 gene, results from a G to A substitution at nucleotide position 2393. The arginine at codon 798 is replaced by lysine, an amino acid with highly similar properties. This amino acid position is highly conserved in available vertebrate species. In addition, this alteration is predicted to be deleterious by in silico analysis. Since supporting evidence is limited at this time, the clinical significance of this alteration remains unclear.